The following is an entry in ClinVar:

ClinVar aggregate classification (germline): Uncertain significance (1 of 4 stars; one submission).

Conditions:
Hereditary nonpolyposis colorectal neoplasms. Identifiers: MedGen C0009405, MeSH D003123.

Submission:

Labcorp Genetics (formerly Invitae), Labcorp
Classification: Uncertain significance for Hereditary nonpolyposis colorectal neoplasms. Last evaluated: 2024-03-06. Review status: criteria provided, single submitter. Criteria: Invitae Variant Classification Sherloc (09022015). Collection method: clinical testing. Allele origin: germline.
Comment: This variant, c.1020_1023delinsTTTC, is a complex sequence change that results in the deletion of 2 and insertion of 2 amino acid(s) in the PMS2 protein (p.Lys340_Arg341delinsAsnPhe). Information on the frequency of this variant in the gnomAD database is not available, as this variant may be reported differently in the database. This variant has not been reported in the literature in individuals affected with PMS2-related conditions. Experimental studies and prediction algorithms are not available or were not evaluated, and the functional significance of this variant is currently unknown. In summary, the available evidence is currently insufficient to determine the role of this variant in disease. Therefore, it has been classified as a Variant of Uncertain Significance.

NM_000535.7(PMS2):c.1020_1023delinsTTTC (p.Lys340_Arg341delinsAsnPhe)

Gene: PMS2 (PMS1 homolog 2, mismatch repair system component; minus strand). Cytogenetic location: 7p22.1.
Variant type: Indel.
Coding change: c.1020_1023delinsTTTC on transcript NM_000535.7 (MANE Select); coding-DNA positions 1020 to 1023, AAGG replaced by TTTC.
Protein change: p.Lys340_Arg341delinsAsnPhe.
Molecular consequence: missense variant. On other transcripts: non-coding transcript variant (1), intron variant (10).
Genome position (GRCh38, 1-based): chr7:5,989,921-5,989,924, CCTT replaced by GAAA on the plus strand (AAGG replaced by TTTC on the coding strand, the reverse complement: PMS2 is on the minus strand). VCF-style: chr7-5989921-CCTT-GAAA. GRCh37 (hg19) VCF-style: chr7-6029552-CCTT-GAAA.
Other names: c.654_657delinsTTTC, p.Lys218_Arg219delinsAsnPhe (NM_001406886.1); c.615_618delinsTTTC, p.Lys205_Arg206delinsAsnPhe (NM_001406887.1, NM_001406888.1, NM_001406889.1 and 16 more transcripts); c.702_705delinsTTTC, p.Lys234_Arg235delinsAsnPhe (NM_001406903.1, NM_001322007.2, NM_001322008.2 and 2 more transcripts); c.507_510delinsTTTC, p.Lys169_Arg170delinsAsnPhe (NM_001406904.1, NM_001406905.1); c.447_450delinsTTTC, p.Lys149_Arg150delinsAsnPhe (NM_001406909.1, NM_001322013.2); c.249_252delinsTTTC, p.Lys83_Arg84delinsAsnPhe (NM_001406911.1); c.583+2049_583+2052delinsTTTC (NM_001322010.2, NM_001406906.1, NM_001406907.1); c.670+2049_670+2052delinsTTTC (NM_001406902.1, NM_001406901.1); and 14 more.
Identifiers: ClinVar variation 2834943 (VCV002834943.3), dbSNP rs2535937311, ClinGen allele CA2739266240.
Genomic context (GRCh38, chr7:5,989,921, plus strand): 5'-TCCTATCAAAGAGGTCTTTAAAACTGCCAACAAAAGCTTTTCCTCTTGTAGCAAAATTTG[CCTT>GAAA]TTATCTGGAGTAACATTGATATCAACGCATTCTAAGGCAAAAAAGAAAACATATTTATTA-3'